The following is an entry in ClinVar:

ClinVar aggregate classification (germline): Uncertain significance (1 of 4 stars; one submission).

gnomAD v4.1: 1 of 1,547,514 alleles (0.000065%); highest among the groups gnomAD compares: South Asian, 0.0012%; no homozygotes.

Submission:

Women's Health and Genetics/Laboratory Corporation of America, LabCorp
Classification: Uncertain significance. Last evaluated: 2025-05-12. Review status: criteria provided, single submitter. Criteria: LabCorp Variant Classification Summary - May 2015. Collection method: clinical testing. Allele origin: germline.
Comment: Variant summary: PDX1 c.241C>A (p.His81Asn) results in a conservative amino acid change in the encoded protein sequence. Algorithms developed to predict the effect of missense changes on protein structure and function are either unavailable or do not agree on the potential impact of this missense change. The variant was absent in 147462 control chromosomes. The available data on variant occurrences in the general population are insufficient to allow any conclusion about variant significance. To our knowledge, no occurrence of c.241C>A in individuals affected with Familial Monogenic Diabetes (Maturity Onset Diabetes Of The Young 4)/Neonatal Diabetes Mellitus and no experimental evidence demonstrating its impact on protein function have been reported. No submitters have cited clinical-significance assessments for this variant to ClinVar. Based on the evidence outlined above, the variant was classified as uncertain significance.

NM_000209.4(PDX1):c.241C>A (p.His81Asn)

Gene: PDX1 (pancreatic and duodenal homeobox 1; plus strand). Cytogenetic location: 13q12.2.
Variant type: single nucleotide variant.
Coding change: c.241C>A on transcript NM_000209.4 (MANE Select); coding-DNA position 241, C replaced by A.
Protein change: p.His81Asn; replaces histidine 81 with asparagine.
Molecular consequence: missense variant.
Genome position (GRCh38, 1-based): chr13:27,920,379, C>A. VCF-style: chr13-27920379-C-A. GRCh37 (hg19) VCF-style: chr13-28494516-C-A.
Other names: short protein forms H81N.
Identifiers: ClinVar variation 3902296 (VCV003902296.1).
Genomic context (GRCh38, chr13:27,920,379, plus strand): 5'-AGCCCCCCGGACATCTCCCCGTACGAGGTGCCCCCCCTCGCCGACGACCCCGCGGTGGCG[C>A]ACCTTCACCACCACCTCCCGGCTCAGCTCGCGCTCCCCCACCCGCCCGCCGGGCCCTTCC-3'
Protein context (NP_000200.1, residues 71-91): PPLADDPAVA[His81Asn]LHHHLPAQLA